The following is an entry in ClinVar:

NM_001375808.2(LPIN2):c.288+63G>A

Gene: LPIN2 (lipin 2; minus strand). Cytogenetic location: 18p11.31.
Variant type: single nucleotide variant.
Coding change: c.288+63G>A on transcript NM_001375808.2 (MANE Select); 63 bases into the intron after coding-DNA position 288, G replaced by A.
Molecular consequence: intron variant.
Genome position (GRCh38, 1-based): chr18:2,954,441, C>T on the plus strand (G>A on the coding strand, the complement: LPIN2 is on the minus strand). VCF-style: chr18-2954441-C-T. GRCh37 (hg19) VCF-style: chr18-2954439-C-T.
Other names: c.288+63G>A (NM_014646.2, NM_001375809.1).
Identifiers: ClinVar variation 2628163 (VCV002628163.2), dbSNP rs7226624, ClinGen allele CA14506826.

ClinVar aggregate classification (germline): Benign (1 of 4 stars; one submission).

Allele frequency attached by ClinVar (database versions not stated): gnomAD exomes 0.39370; gnomAD 0.43392; TOPMed 0.44116; 1000 Genomes Project 30x 0.50609; 1000 Genomes Project 0.51078.
gnomAD v4.1: 464,324 of 1,161,280 alleles (40%); highest among the groups gnomAD compares: East Asian, 61%; 96,327 homozygotes.

Submission:

Unidad de Genómica Garrahan, Hospital de Pediatría Garrahan
Classification: Benign. Last evaluated: 2023-11-12. Review status: criteria provided, single submitter. Criteria: ACMG Guidelines, 2015. Collection method: clinical testing. Allele origin: germline. Affected: no. Observed: 52 variant alleles.
Comment: This variant is classified as Benign based on local population frequency. This variant was detected in 54% of patients studied by a panel of primary immunodeficiencies. Number of patients: 52. Only high quality variants are reported.